The following is an entry in ClinVar:

ClinVar aggregate classification (germline): Uncertain significance. Review status: criteria provided, multiple submitters, no conflicts (2 of 4 stars). 2 submissions from 2 submitters: Uncertain significance (2). Last evaluated 2025-03-17.

gnomAD v4.1: 78 of 1,610,246 alleles (0.0048%); highest among the groups gnomAD compares: Admixed American, 0.058%; 1 homozygote.

Submissions (2):

Labcorp Genetics (formerly Invitae), Labcorp
Classification: Uncertain significance. Last evaluated: 2025-03-17. Review status: criteria provided, single submitter. Criteria: Invitae Variant Classification Sherloc (09022015). Collection method: clinical testing. Allele origin: germline.
Comment: This sequence change replaces alanine, which is neutral and non-polar, with valine, which is neutral and non-polar, at codon 176 of the CTU2 protein (p.Ala176Val). This variant is present in population databases (rs746841810, gnomAD 0.05%). This variant has not been reported in the literature in individuals affected with CTU2-related conditions. ClinVar contains an entry for this variant (Variation ID: 3498537). An algorithm developed to predict the effect of missense changes on protein structure and function outputs the following: PolyPhen-2: "Benign". The valine amino acid residue is found in multiple mammalian species, which suggests that this missense change does not adversely affect protein function. In summary, the available evidence is currently insufficient to determine the role of this variant in disease. Therefore, it has been classified as a Variant of Uncertain Significance.

Ambry Genetics
Classification: Uncertain significance. Last evaluated: 2024-12-03. Review status: criteria provided, single submitter. Criteria: Ambry Variant Classification Scheme 2023. Collection method: clinical testing. Allele origin: germline.

NM_001012759.3(CTU2):c.527C>T (p.Ala176Val)

Gene: CTU2 (cytosolic thiouridylase subunit 2; plus strand). Cytogenetic location: 16q24.3.
Variant type: single nucleotide variant.
Coding change: c.527C>T on transcript NM_001012759.3 (MANE Select); coding-DNA position 527, C replaced by T.
Protein change: p.Ala176Val; replaces alanine 176 with valine.
Molecular consequence: missense variant.
Genome position (GRCh38, 1-based): chr16:88,712,695, C>T. VCF-style: chr16-88712695-C-T. GRCh37 (hg19) VCF-style: chr16-88779103-C-T.
Other names: c.527C>T, p.Ala176Val (NM_001012762.3); c.740C>T, p.Ala247Val (NM_001318507.2); c.266C>T, p.Ala89Val (NM_001318513.2); short protein forms A247V, A176V, A89V.
Identifiers: ClinVar variation 3498537 (VCV003498537.2).